The following is an entry in ClinVar:

ClinVar aggregate classification (germline): Uncertain significance (1 of 4 stars; one submission).

Conditions:
Heterotopia, periventricular, X-linked dominant (PVNH1). Also called: PERIVENTRICULAR NODULAR HETEROTOPIA 1; PERIVENTRICULAR NODULAR HETEROTOPIA 4; HETEROTOPIA, PERIVENTRICULAR, 1; X-linked periventricular heterotopia. Identifiers: Orphanet 2149, Orphanet 82004, MedGen C1848213, MONDO:0010233, OMIM 300049.
Melnick-Needles syndrome (MNS). Also called: Melnick-Needles Syndrome (FLNA-MNS); MELNICK-NEEDLES OSTEODYSPLASTY; OSTEODYSPLASTY OF MELNICK AND NEEDLES. Identifiers: Orphanet 2484, MedGen C0025237, MONDO:0010650, OMIM 309350.
Oto-palato-digital syndrome, type II (OPD2). Also called: Otopalatodigital Syndrome Type 2 (FLNA-OPD2); FACIOPALATOOSSEOUS SYNDROME; OPD II SYNDROME; Otopalatodigital Syndrome, Type II. Identifiers: Orphanet 669, Orphanet 90652, MedGen C1844696, MONDO:0010571, OMIM 304120.
Frontometaphyseal dysplasia (FMD1). Identifiers: Orphanet 1826, MedGen C0265293, MONDO:0015942.

Submission:

Labcorp Genetics (formerly Invitae), Labcorp
Classification: Uncertain significance for Oto-palato-digital syndrome, type II; Heterotopia, periventricular, X-linked dominant; Frontometaphyseal dysplasia; Melnick-Needles syndrome. Last evaluated: 2022-01-17. Review status: criteria provided, single submitter. Criteria: Invitae Variant Classification Sherloc (09022015). Collection method: clinical testing. Allele origin: germline.
Comment: In summary, the available evidence is currently insufficient to determine the role of this variant in disease. Therefore, it has been classified as a Variant of Uncertain Significance. Advanced modeling of protein sequence and biophysical properties (such as structural, functional, and spatial information, amino acid conservation, physicochemical variation, residue mobility, and thermodynamic stability) performed at Invitae indicates that this missense variant is not expected to disrupt FLNA protein function. This variant has not been reported in the literature in individuals affected with FLNA-related conditions. This variant is not present in population databases (gnomAD no frequency). This sequence change replaces isoleucine, which is neutral and non-polar, with phenylalanine, which is neutral and non-polar, at codon 2061 of the FLNA protein (p.Ile2061Phe).

NM_001110556.2(FLNA):c.6205A>T (p.Ile2069Phe)

Gene: FLNA (filamin A; minus strand). Cytogenetic location: Xq28.
Variant type: single nucleotide variant.
Coding change: c.6205A>T on transcript NM_001110556.2 (MANE Select); coding-DNA position 6205, A replaced by T.
Protein change: p.Ile2069Phe; replaces isoleucine 2069 with phenylalanine.
Molecular consequence: missense variant.
Genome position (GRCh38, 1-based): chrX:154,353,022, T>A on the plus strand (A>T on the coding strand, the complement: FLNA is on the minus strand). VCF-style: chrX-154353022-T-A. GRCh37 (hg19) VCF-style: chrX-153581390-T-A.
Other names: c.6181A>T, p.Ile2061Phe (NM_001456.4); short protein forms I2069F, I2061F.
Identifiers: ClinVar variation 1932636 (VCV001932636.5), dbSNP rs2522722906, ClinGen allele CA415195136.